The following is an entry in ClinVar:

NM_003072.5(SMARCA4):c.1440C>T (p.Leu480=)

Gene: SMARCA4 (SWI/SNF related BAF chromatin remodeling complex subunit ATPase 4; plus strand). Cytogenetic location: 19p13.2.
Variant type: single nucleotide variant.
Coding change: c.1440C>T on transcript NM_003072.5 (MANE Select); coding-DNA position 1440, C replaced by T.
Protein change: p.Leu480=; no amino-acid change (leucine 480 retained).
Molecular consequence: synonymous variant. On other transcripts: non-coding transcript variant (1).
Genome position (GRCh38, 1-based): chr19:10,994,848, C>T. VCF-style: chr19-10994848-C-T. GRCh37 (hg19) VCF-style: chr19-11105524-C-T.
Other names: c.1440C>T, p.Leu480= (NM_001128844.3, NM_001128845.2, NM_001128846.2 and 5 more transcripts).
Identifiers: ClinVar variation 480639 (VCV000480639.11), dbSNP rs1555761995, ClinGen allele CA505490297.
Genomic context (GRCh38, chr19:10,994,848, plus strand): 5'-CTGCTGAAGGGTCAGCCTTCTCTTTTGTGCTTTCCTGCAGGAATACCTCAATAGCATTCT[C>T]CAGCATGCCAAGGATTTCAAGGAATATCACAGATCCGTCACAGGCAAAATCCAGAAGCTG-3'
Protein context (NP_003063.2, residues 470-490): QKHQEYLNSI[Leu480=]QHAKDFKEYH

ClinVar aggregate classification (germline): Benign/Likely benign. Review status: criteria provided, multiple submitters, no conflicts (2 of 4 stars). 3 submissions from 3 submitters: Benign (1); Likely benign (2). Last evaluated 2026-07-10.

Conditions:
Hereditary cancer-predisposing syndrome. Also called: Tumor predisposition; Neoplastic Syndromes, Hereditary; Hereditary Cancer Syndrome; Hereditary neoplastic syndrome. Identifiers: Orphanet 140162, MedGen C0027672, MeSH D009386, MONDO:0015356.
Rhabdoid tumor predisposition syndrome 2 (RTPS2). Identifiers: Orphanet 231108, Orphanet 69077, MedGen C2750074, MONDO:0013224, OMIM 613325.

Submissions (3):

Myriad Genetics, Inc.
Classification: Benign for Rhabdoid tumor predisposition syndrome 2. Last evaluated: 2026-07-10. Review status: criteria provided, single submitter. Criteria: Myriad Autosomal Dominant, Autosomal Recessive and X-Linked Classification Criteria (2023). Collection method: clinical testing. Allele origin: unknown.
Comment: This variant is considered benign. This variant is a silent/synonymous amino acid change and it is not expected to impact splicing.

Labcorp Genetics (formerly Invitae), Labcorp
Classification: Likely benign for Rhabdoid tumor predisposition syndrome 2. Last evaluated: 2022-06-18. Review status: criteria provided, single submitter. Criteria: Invitae Variant Classification Sherloc (09022015). Collection method: clinical testing. Allele origin: germline.

Ambry Genetics
Classification: Likely benign for Hereditary cancer-predisposing syndrome. Last evaluated: 2016-07-15. Review status: criteria provided, single submitter. Criteria: Ambry Variant Classification Scheme 2023. Collection method: clinical testing. Allele origin: germline.